The following is an entry in ClinVar:

NM_001353921.2(ARHGEF9):c.727G>A (p.Asp243Asn)

Gene: ARHGEF9 (Cdc42 guanine nucleotide exchange factor 9; minus strand). Cytogenetic location: Xq11.1.
Variant type: single nucleotide variant.
Coding change: c.727G>A on transcript NM_001353921.2 (MANE Select); coding-DNA position 727, G replaced by A.
Protein change: p.Asp243Asn; replaces aspartic acid 243 with asparagine.
Molecular consequence: missense variant.
Genome position (GRCh38, 1-based): chrX:63,678,428, C>T on the plus strand (G>A on the coding strand, the complement: ARHGEF9 is on the minus strand). VCF-style: chrX-63678428-C-T. GRCh37 (hg19) VCF-style: chrX-62898308-C-T.
Other names: c.547G>A, p.Asp183Asn (NM_001173479.2); c.400G>A, p.Asp134Asn (NM_001173480.2, NM_001369042.1); c.643G>A, p.Asp215Asn (NM_001330495.2, NM_001353927.2, NM_001369033.1 and 8 more transcripts); c.727G>A, p.Asp243Asn (NM_001353922.2); c.745G>A, p.Asp249Asn (NM_001353923.1); c.526G>A, p.Asp176Asn (NM_001353924.2, NM_001353926.2, NM_001369039.1 and 1 more transcripts); c.706G>A, p.Asp236Asn (NM_001353928.2, NM_001369030.1, NM_001369031.1 and 2 more transcripts); c.292G>A, p.Asp98Asn (NM_001369045.1); and 1 more; short protein forms D134N, D176N, D183N, D215N, D236N, D243N, D249N, D98N.
Identifiers: ClinVar variation 1061227 (VCV001061227.10), dbSNP rs782266558, ClinGen allele CA10431918.

ClinVar aggregate classification (germline): Uncertain significance. Review status: criteria provided, multiple submitters, no conflicts (2 of 4 stars). 2 submissions from 2 submitters: Uncertain significance (2). Last evaluated 2023-12-05.

Conditions:
Developmental and epileptic encephalopathy, 8 (DEE8). Also called: HYPEREKPLEXIA AND EPILEPSY. Identifiers: Orphanet 163985, Orphanet 2076, MedGen C1845102, MONDO:0010375, OMIM 300607.

Allele frequency attached by ClinVar (database versions not stated): gnomAD exomes below 0.00001 and 0.00001; TOPMed below 0.00001; ExAC 0.00002.
gnomAD v4.1: 3 of 1,206,531 alleles (0.00025%); highest among the groups gnomAD compares: African/African-American, 0.0017%; no homozygotes.

Submissions (2):

GeneDx
Classification: Uncertain significance. Last evaluated: 2023-12-05. Review status: criteria provided, single submitter. Criteria: GeneDx Variant Classification Process June 2021. Collection method: clinical testing. Allele origin: germline. Affected: yes.
Comment: In silico analysis supports that this missense variant has a deleterious effect on protein structure/function; Has not been previously published as pathogenic or benign to our knowledge

Labcorp Genetics (formerly Invitae), Labcorp
Classification: Uncertain significance for Developmental and epileptic encephalopathy, 8. Last evaluated: 2020-09-11. Review status: criteria provided, single submitter. Criteria: Invitae Variant Classification Sherloc (09022015). Collection method: clinical testing. Allele origin: germline.
Comment: In summary, the available evidence is currently insufficient to determine the role of this variant in disease. Therefore, it has been classified as a Variant of Uncertain Significance. Algorithms developed to predict the effect of missense changes on protein structure and function are either unavailable or do not agree on the potential impact of this missense change (SIFT: "Deleterious"; PolyPhen-2: "Probably Damaging"; Align-GVGD: "Class C0"). This variant has been observed in individual(s) with clinical features of early infantile epileptic encephalopathy (Invitae). This variant is present in population databases (rs782266558, ExAC 0.02%). This sequence change replaces aspartic acid with asparagine at codon 236 of the ARHGEF9 protein (p.Asp236Asn). The aspartic acid residue is highly conserved and there is a small physicochemical difference between aspartic acid and asparagine.